The following is an entry in ClinVar:

NM_000302.4(PLOD1):c.383C>A (p.Ala128Asp)

Gene: PLOD1 (procollagen-lysine,2-oxoglutarate 5-dioxygenase 1; plus strand). Cytogenetic location: 1p36.22.
Variant type: single nucleotide variant.
Coding change: c.383C>A on transcript NM_000302.4 (MANE Select); coding-DNA position 383, C replaced by A.
Protein change: p.Ala128Asp; replaces alanine 128 with aspartic acid.
Molecular consequence: missense variant.
Genome position (GRCh38, 1-based): chr1:11,950,437, C>A. VCF-style: chr1-11950437-C-A. GRCh37 (hg19) VCF-style: chr1-12010494-C-A.
Other names: c.524C>A, p.Ala175Asp (NM_001316320.2); short protein forms A128D, A175D.
Identifiers: ClinVar variation 5026846 (VCV005026846.1).
Genomic context (GRCh38, chr1:11,950,437, plus strand): 5'-CGGGGCCCCGGGAGCTCCTGAAGAAGTTCCGGCAGGCCAGGAGCCAGGTGGTCTTCTCTG[C>A]TGAGGAGCTCATCTACCCAGACCGCAGGCTGGAGACCAAGTATCCGGTGGTGTCCGATGG-3'
Protein context (NP_000293.2, residues 118-138): RQARSQVVFS[Ala128Asp]EELIYPDRRL

ClinVar aggregate classification (germline): Uncertain significance (1 of 4 stars; one submission).

Conditions:
Familial thoracic aortic aneurysm and aortic dissection (TAAD). Also called: Thoracic aortic aneurysms and dissections. Identifiers: Orphanet 91387, MedGen C4707243, MONDO:0019625.

gnomAD v4.1: 4 of 1,614,156 alleles (0.00025%); highest among the groups gnomAD compares: South Asian, 0.0044%; no homozygotes.

Submission:

Ambry Genetics
Classification: Uncertain significance for Familial thoracic aortic aneurysm and aortic dissection. Last evaluated: 2026-06-22. Review status: criteria provided, single submitter. Criteria: Ambry Variant Classification Scheme 2023. Collection method: clinical testing. Allele origin: germline.
Comment: The p.A128D variant (also known as c.383C>A), located in coding exon 4 of the PLOD1 gene, results from a C to A substitution at nucleotide position 383. The alanine at codon 128 is replaced by aspartic acid, an amino acid with dissimilar properties. This amino acid position is conserved. In addition, this alteration is predicted to be deleterious by in silico analysis. Based on the available evidence, the clinical significance of this variant remains unclear.